The following is an entry in ClinVar:

NM_173500.4(TTBK2):c.3338A>G (p.Gln1113Arg)

Gene: TTBK2 (tau tubulin kinase 2; minus strand). Cytogenetic location: 15q15.2.
Variant type: single nucleotide variant.
Coding change: c.3338A>G on transcript NM_173500.4 (MANE Select); coding-DNA position 3338, A replaced by G.
Protein change: p.Gln1113Arg; replaces glutamine 1113 with arginine.
Molecular consequence: missense variant.
Genome position (GRCh38, 1-based): chr15:42,746,192, T>C on the plus strand (A>G on the coding strand, the complement: TTBK2 is on the minus strand). VCF-style: chr15-42746192-T-C. GRCh37 (hg19) VCF-style: chr15-43038390-T-C.
Other names: short protein forms Q1113R.
Identifiers: ClinVar variation 2582149 (VCV002582149.1), dbSNP rs900436638, ClinGen allele CA269922156.
Genomic context (GRCh38, chr15:42,746,192, plus strand): 5'-GATCCTGGACTCTTGCACTGAGTAGTGCTCCGGGGTTTCTGAGATCCATTTTGAAGAATT[T>C]GGGCCAGGCGGGAGAAAAGGTCTGAGTCGGAGTTACTACTCCCTAGGACTTTATATCTGC-3'
Protein context (NP_775771.3, residues 1103-1123): SDSDLFSRLA[Gln1113Arg]ILQNGSQKPR

ClinVar aggregate classification (germline): Uncertain significance (1 of 4 stars; one submission).

Allele frequency attached by ClinVar (database versions not stated): gnomAD exomes below 0.00001; TOPMed below 0.00001; gnomAD 0.00001.
gnomAD v4.1: 2 of 1,614,040 alleles (0.00012%); highest among the groups gnomAD compares: Non-Finnish European, 0.00017%; no homozygotes.

Submission:

GeneDx
Classification: Uncertain significance. Last evaluated: 2023-03-30. Review status: criteria provided, single submitter. Criteria: GeneDx Variant Classification Process June 2021. Collection method: clinical testing. Allele origin: germline. Affected: yes.
Comment: Not observed at significant frequency in large population cohorts (gnomAD); In silico analysis supports that this missense variant does not alter protein structure/function; Has not been previously published as pathogenic or benign to our knowledge